The following is an entry in ClinVar:

NM_152490.5(B3GALNT2):c.575G>A (p.Arg192His)

Gene: B3GALNT2 (beta-1,3-N-acetylgalactosaminyltransferase 2; minus strand). Cytogenetic location: 1q42.3.
Variant type: single nucleotide variant.
Coding change: c.575G>A on transcript NM_152490.5 (MANE Select); coding-DNA position 575, G replaced by A.
Protein change: p.Arg192His; replaces arginine 192 with histidine.
Molecular consequence: missense variant.
Genome position (GRCh38, 1-based): chr1:235,480,130, C>T on the plus strand (G>A on the coding strand, the complement: B3GALNT2 is on the minus strand). VCF-style: chr1-235480130-C-T. GRCh37 (hg19) VCF-style: chr1-235643446-C-T.
Other names: p.Arg192His; c.698G>A, p.Arg233His (NM_001277155.3); short protein forms R192H, R233H.
Identifiers: ClinVar variation 418056 (VCV000418056.18), dbSNP rs201345883, ClinGen allele CA1464868.

ClinVar aggregate classification (germline): Conflicting classifications of pathogenicity. Review status: criteria provided, conflicting classifications (1 of 4 stars). 4 submissions from 4 submitters: Uncertain significance (1); Benign (2); Likely benign (1). Last evaluated 2026-01-05.

Conditions:
Muscular dystrophy-dystroglycanopathy (congenital with brain and eye anomalies), type a, 11 (MDDGA11). Also called: Muscular dystrophy-dystroglycanopathy (congenital with brain and eye anomalies, type A, 11; Congenital muscular dystrophy-dystroglycanopathy with brain and eye anomalies, type A11; WALKER-WARBURG SYNDROME OR MUSCLE-EYE-BRAIN DISEASE, B3GALNT2-RELATED. Identifiers: Orphanet 588, Orphanet 899, MedGen C3554638, MONDO:0014071, OMIM 615181.

Allele frequency attached by ClinVar (database versions not stated): ESP Exome Variant Server 0.00008; TOPMed 0.00023; gnomAD 0.00028 and 0.00032.
gnomAD v4.1: 965 of 1,613,508 alleles (0.06%); highest among the groups gnomAD compares: Non-Finnish European, 0.068%; 3 homozygotes.

Submissions (4):

Labcorp Genetics (formerly Invitae), Labcorp
Classification: Benign for Muscular dystrophy-dystroglycanopathy (congenital with brain and eye anomalies), type a, 11. Last evaluated: 2026-01-05. Review status: criteria provided, single submitter. Criteria: Invitae Variant Classification Sherloc (09022015). Collection method: clinical testing. Allele origin: germline.

Mayo Clinic Laboratories, Mayo Clinic
Classification: Benign. Last evaluated: 2024-11-27. Review status: criteria provided, single submitter. Criteria: ACMG Guidelines, 2015. Collection method: clinical testing. Allele origin: germline. Observed: 1 variant allele.
Comment: BS1, BS2

GeneDx
Classification: Likely benign. Last evaluated: 2020-03-07. Review status: criteria provided, single submitter. Criteria: GeneDx Variant Classification Process June 2021. Collection method: clinical testing. Allele origin: germline. Affected: yes.

Revvity Omics, Revvity
Classification: Uncertain significance for Muscular dystrophy-dystroglycanopathy (congenital with brain and eye anomalies), type a, 11. Last evaluated: 2019-10-15. Review status: criteria provided, single submitter. Criteria: ACMG Guidelines, 2015. Collection method: clinical testing. Allele origin: germline.